The following is an entry in ClinVar:

NM_001701.4(BAAT):c.469G>C (p.Glu157Gln)

Gene: BAAT (bile acid-CoA:amino acid N-acyltransferase; minus strand). Cytogenetic location: 9q31.1.
Variant type: single nucleotide variant.
Coding change: c.469G>C on transcript NM_001701.4 (MANE Select); coding-DNA position 469, G replaced by C.
Protein change: p.Glu157Gln; replaces glutamic acid 157 with glutamine.
Molecular consequence: missense variant.
Genome position (GRCh38, 1-based): chr9:101,368,320, C>G on the plus strand (G>C on the coding strand, the complement: BAAT is on the minus strand). VCF-style: chr9-101368320-C-G. GRCh37 (hg19) VCF-style: chr9-104130602-C-G.
Other names: c.469G>C, p.Glu157Gln (NM_001127610.2, NM_001374715.1); short protein forms E157Q.
Identifiers: ClinVar variation 3259668 (VCV003259668.2).

ClinVar aggregate classification (germline): Uncertain significance. Review status: criteria provided, multiple submitters, no conflicts (2 of 4 stars). 2 submissions from 2 submitters: Uncertain significance (2). Last evaluated 2025-09-03.

Conditions:
BAAT-related disorder. Also called: BAAT-related condition.

Submissions (2):

PreventionGenetics, part of Exact Sciences
Classification: Uncertain significance for BAAT-related condition. Last evaluated: 2025-09-03. Review status: criteria provided, single submitter. Criteria: ACMG Guidelines, 2015. Collection method: clinical testing. Allele origin: germline.
Comment: The BAAT c.469G>C variant is predicted to result in the amino acid substitution p.Glu157Gln. To our knowledge, this variant has not been reported in the literature. This variant is reported in 0.026% of alleles in individuals of South Asian descent in gnomAD. At this time, the clinical significance of this variant is uncertain due to the absence of conclusive functional and genetic evidence.

Ambry Genetics
Classification: Uncertain significance. Last evaluated: 2024-06-16. Review status: criteria provided, single submitter. Criteria: Ambry Variant Classification Scheme 2023. Collection method: clinical testing. Allele origin: germline.